The following is an entry in ClinVar:

NM_015202.5(KATNIP):c.604G>A (p.Asp202Asn)

Gene: KATNIP (katanin interacting protein; plus strand). Cytogenetic location: 16p12.1.
Variant type: single nucleotide variant.
Coding change: c.604G>A on transcript NM_015202.5 (MANE Select); coding-DNA position 604, G replaced by A.
Protein change: p.Asp202Asn; replaces aspartic acid 202 with asparagine.
Molecular consequence: missense variant.
Genome position (GRCh38, 1-based): chr16:27,677,792, G>A. VCF-style: chr16-27677792-G-A. GRCh37 (hg19) VCF-style: chr16-27689113-G-A.
Other names: c.604G>A (NM_015202.2); short protein forms D202N.
Identifiers: ClinVar variation 2728837 (VCV002728837.5), dbSNP rs371839335, ClinGen allele CA7977400.
Genomic context (GRCh38, chr16:27,677,792, plus strand): 5'-CTGAGAAGAAGCCTGGAACTTAGTGTAAATCTACAAAGGAAACAAAAGGATTGTTCCAGC[G>A]ATGAGTATGACTCTATTGAGGAAGACATACTCTCTGAGCCTGAGCCAGAGGACCCGGCAC-3'
Protein context (NP_056017.4, residues 192-212): LQRKQKDCSS[Asp202Asn]EYDSIEEDIL

ClinVar aggregate classification (germline): Uncertain significance. Review status: criteria provided, multiple submitters, no conflicts (2 of 4 stars). 3 submissions from 3 submitters: Uncertain significance (3). Last evaluated 2025-10-02.

Allele frequency attached by ClinVar (database versions not stated): gnomAD exomes 0.00003; ExAC 0.00004; ESP Exome Variant Server 0.00015; TOPMed 0.00028; gnomAD 0.00030.

Submissions (3):

Labcorp Genetics (formerly Invitae), Labcorp
Classification: Uncertain significance. Last evaluated: 2025-10-02. Review status: criteria provided, single submitter. Criteria: Invitae Variant Classification Sherloc (09022015). Collection method: clinical testing. Allele origin: germline.
Comment: This sequence change replaces aspartic acid, which is acidic and polar, with asparagine, which is neutral and polar, at codon 202 of the KIAA0556 protein (p.Asp202Asn). This variant is present in population databases (rs371839335, gnomAD 0.07%). This variant has not been reported in the literature in individuals affected with KIAA0556-related conditions. ClinVar contains an entry for this variant (Variation ID: 2728837). An algorithm developed to predict the effect of missense changes on protein structure and function (PolyPhen-2) suggests that this variant is likely to be disruptive. In summary, the available evidence is currently insufficient to determine the role of this variant in disease. Therefore, it has been classified as a Variant of Uncertain Significance.

Blueprint Genetics
Classification: Uncertain significance. Last evaluated: 2024-06-27. Review status: criteria provided, single submitter. Criteria: ACMG Guidelines, 2015. Collection method: clinical testing. Allele origin: germline.

Ambry Genetics
Classification: Uncertain significance. Last evaluated: 2021-08-13. Review status: criteria provided, single submitter. Criteria: Ambry Variant Classification Scheme 2023. Collection method: clinical testing. Allele origin: germline.